The following is an entry in ClinVar:

ClinVar aggregate classification (germline): Uncertain significance (1 of 4 stars; one submission).

Conditions:
Cardiovascular phenotype. Identifiers: MedGen CN230736.

Submission:

Ambry Genetics
Classification: Uncertain significance for Cardiovascular phenotype. Last evaluated: 2024-08-25. Review status: criteria provided, single submitter. Criteria: Ambry Variant Classification Scheme 2023. Collection method: clinical testing. Allele origin: germline.
Comment: The p.L95P variant (also known as c.284T>C), located in coding exon 1 of the CHST14 gene, results from a T to C substitution at nucleotide position 284. The leucine at codon 95 is replaced by proline, an amino acid with similar properties. This amino acid position is conserved. In addition, this alteration is predicted to be tolerated by in silico analysis. Based on the available evidence, the clinical significance of this variant remains unclear.

NM_130468.4(CHST14):c.284T>C (p.Leu95Pro)

Gene: CHST14 (carbohydrate sulfotransferase 14; plus strand). Cytogenetic location: 15q15.1.
Variant type: single nucleotide variant.
Coding change: c.284T>C on transcript NM_130468.4 (MANE Select); coding-DNA position 284, T replaced by C.
Protein change: p.Leu95Pro; replaces leucine 95 with proline.
Molecular consequence: missense variant.
Genome position (GRCh38, 1-based): chr15:40,471,497, T>C. VCF-style: chr15-40471497-T-C. GRCh37 (hg19) VCF-style: chr15-40763696-T-C.
Other names: short protein forms L95P.
Identifiers: ClinVar variation 3492641 (VCV003492641.1).